The following is an entry in ClinVar:

ClinVar aggregate classification (germline): Likely benign. Review status: criteria provided, multiple submitters, no conflicts (2 of 4 stars). 4 submissions from 4 submitters: Likely benign (2). 2 of the submissions do not count toward it. Last evaluated 2025-11-22.

Conditions:
GNPTG-mucolipidosis. Also called: ML III GAMMA; ML IIIC; Mucolipidosis type III gamma; MUCOLIPIDOSIS III, COMPLEMENTATION GROUP C; MUCOLIPIDOSIS III, IRANIAN VARIANT FORM; MUCOLIPIDOSIS III, VARIANT FORM. Identifiers: Orphanet 423470, Orphanet 577, MedGen C1854896, MONDO:0009652, OMIM 252605.
GNPTG-related disorder. Also called: GNPTG-related condition.

Allele frequency attached by ClinVar (database versions not stated): ESP Exome Variant Server 0.00031; gnomAD 0.00038 and 0.00039; TOPMed 0.00039; 1000 Genomes Project 30x 0.00109; 1000 Genomes Project 0.00120.
gnomAD v4.1: 115 of 1,614,174 alleles (0.0071%); highest among the groups gnomAD compares: African/African-American, 0.14%; no homozygotes.

Submissions (4):

Labcorp Genetics (formerly Invitae), Labcorp
Classification: Likely benign. Last evaluated: 2025-11-22. Review status: criteria provided, single submitter. Criteria: Invitae Variant Classification Sherloc (09022015). Collection method: clinical testing. Allele origin: germline.

Blueprint Genetics
Classification: Likely benign. Last evaluated: 2023-06-16. Review status: criteria provided, single submitter. Criteria: ACMG Guidelines, 2015. Collection method: clinical testing. Allele origin: germline.

PreventionGenetics, part of Exact Sciences
Classification: Likely benign for GNPTG-related condition. Last evaluated: 2020-03-20. Review status: no assertion criteria provided. Collection method: clinical testing. Allele origin: germline. Not counted in ClinVar's aggregate classification.
Comment: This variant is classified as likely benign based on ACMG/AMP sequence variant interpretation guidelines (Richards et al. 2015 PMID: 25741868, with internal and published modifications).

Natera, Inc.
Classification: Uncertain significance for Mucolipidosis III gamma. Last evaluated: 2020-01-24. Review status: no assertion criteria provided. Collection method: clinical testing. Allele origin: germline. Not counted in ClinVar's aggregate classification.

NM_032520.5(GNPTG):c.603C>T (p.Thr201=)

Gene: GNPTG (N-acetylglucosamine-1-phosphate transferase subunit gamma; plus strand). Cytogenetic location: 16p13.3.
Variant type: single nucleotide variant.
Coding change: c.603C>T on transcript NM_032520.5 (MANE Select); coding-DNA position 603, C replaced by T.
Protein change: p.Thr201=; no amino-acid change (threonine 201 retained).
Molecular consequence: synonymous variant.
Genome position (GRCh38, 1-based): chr16:1,362,528, C>T. VCF-style: chr16-1362528-C-T. GRCh37 (hg19) VCF-style: chr16-1412529-C-T.
Identifiers: ClinVar variation 728433 (VCV000728433.15), dbSNP rs146171435, ClinGen allele CA7807822.